The following is an entry in ClinVar:

NM_014991.6(WDFY3):c.6117G>T (p.Gln2039His)

Gene: WDFY3 (WD repeat and FYVE domain containing 3; minus strand). Cytogenetic location: 4q21.23.
Variant type: single nucleotide variant.
Coding change: c.6117G>T on transcript NM_014991.6 (MANE Select); coding-DNA position 6117, G replaced by T.
Protein change: p.Gln2039His; replaces glutamine 2039 with histidine.
Molecular consequence: missense variant.
Genome position (GRCh38, 1-based): chr4:84,741,878, C>A on the plus strand (G>T on the coding strand, the complement: WDFY3 is on the minus strand). VCF-style: chr4-84741878-C-A. GRCh37 (hg19) VCF-style: chr4-85663031-C-A.
Other names: short protein forms Q2039H.
Identifiers: ClinVar variation 2619155 (VCV002619155.3), dbSNP rs113641592, ClinGen allele CA357558050.
Genomic context (GRCh38, chr4:84,741,878, plus strand): 5'-GCCTTGCCAAAGCTTGTCCACCACACGCTGTGTGAAATAAAACACATTGTTCACCAATAC[C>A]TGGTAGCTTCCTCCACTGGTAATAGGCAGAGATGCATCTTCCCCTAAATTCCAGTAGGAA-3'
Protein context (NP_055806.2, residues 2029-2049): SLPITSGGSY[Gln2039His]VLVNNVFYFT

ClinVar aggregate classification (germline): Uncertain significance. Review status: criteria provided, multiple submitters, no conflicts (2 of 4 stars). 2 submissions from 2 submitters: Uncertain significance (2). Last evaluated 2023-11-22.

Conditions:
Inborn genetic diseases. Identifiers: MedGen C0950123, MeSH D030342.

Allele frequency attached by ClinVar (database versions not stated): TOPMed below 0.00001.
gnomAD v4.1: 2 of 1,610,474 alleles (0.00012%); highest among the groups gnomAD compares: Non-Finnish European, 0.00017%; no homozygotes.

Submissions (2):

GeneDx
Classification: Uncertain significance. Last evaluated: 2023-11-22. Review status: criteria provided, single submitter. Criteria: GeneDx Variant Classification Process June 2021. Collection method: clinical testing. Allele origin: germline. Affected: yes.
Comment: Not observed at significant frequency in large population cohorts (gnomAD); In silico analysis supports that this missense variant does not alter protein structure/function; Has not been previously published as pathogenic or benign to our knowledge

Ambry Genetics
Classification: Uncertain significance for Inborn genetic diseases. Last evaluated: 2023-08-15. Review status: criteria provided, single submitter. Criteria: Ambry Variant Classification Scheme 2023. Collection method: clinical testing. Allele origin: germline.